The following is an entry in ClinVar:

ClinVar aggregate classification (germline): Likely benign. Review status: criteria provided, single submitter (1 of 4 stars). 2 submissions from 2 submitters: Likely benign (1). 1 of the submissions does not count toward it. Last evaluated 2026-01-18.

Conditions:
PEX16-related disorder. Also called: PEX16-related condition.
Peroxisome biogenesis disorder. Identifiers: Orphanet 79189, MedGen C1832200, MONDO:0019234. Disease mechanism: loss of function.

Allele frequency attached by ClinVar (database versions not stated): gnomAD exomes below 0.00001; gnomAD 0.00001; TOPMed 0.00001.
gnomAD v4.1: 9 of 1,613,884 alleles (0.00056%); highest among the groups gnomAD compares: Admixed American, 0.012%; no homozygotes.

Submissions (2):

Labcorp Genetics (formerly Invitae), Labcorp
Classification: Likely benign for Peroxisome biogenesis disorder. Last evaluated: 2026-01-18. Review status: criteria provided, single submitter. Criteria: Invitae Variant Classification Sherloc (09022015). Collection method: clinical testing. Allele origin: germline.

PreventionGenetics, part of Exact Sciences
Classification: Likely benign for PEX16-related condition. Last evaluated: 2022-06-24. Review status: no assertion criteria provided. Collection method: clinical testing. Allele origin: germline. Not counted in ClinVar's aggregate classification.
Comment: This variant is classified as likely benign based on ACMG/AMP sequence variant interpretation guidelines (Richards et al. 2015 PMID: 25741868, with internal and published modifications).

NM_004813.4(PEX16):c.444C>G (p.Thr148=)

Gene: PEX16 (peroxisomal biogenesis factor 16; minus strand). Cytogenetic location: 11p11.2.
Variant type: single nucleotide variant.
Coding change: c.444C>G on transcript NM_004813.4 (MANE Select); coding-DNA position 444, C replaced by G.
Protein change: p.Thr148=; no amino-acid change (threonine 148 retained).
Molecular consequence: synonymous variant.
Genome position (GRCh38, 1-based): chr11:45,915,484, G>C on the plus strand (C>G on the coding strand, the complement: PEX16 is on the minus strand). VCF-style: chr11-45915484-G-C. GRCh37 (hg19) VCF-style: chr11-45937035-G-C.
Other names: c.444C>G, p.Thr148= (NM_057174.3).
Identifiers: ClinVar variation 753937 (VCV000753937.11), dbSNP rs1278944049, ClinGen allele CA474037676.